The following is an entry in ClinVar:

ClinVar aggregate classification (germline): Likely benign (0 of 4 stars; one submission).

Conditions:
LPIN1-related disorder. Also called: LPIN1-related condition.

Submission:

PreventionGenetics, part of Exact Sciences
Classification: Likely benign for LPIN1-related condition. Last evaluated: 2019-12-03. Review status: no assertion criteria provided. Collection method: clinical testing. Allele origin: germline.
Comment: This variant is classified as likely benign based on ACMG/AMP sequence variant interpretation guidelines (Richards et al. 2015 PMID: 25741868, with internal and published modifications).

NM_001349206.2(LPIN1):c.597-9_597-8del

Gene: LPIN1 (lipin 1; plus strand). Cytogenetic location: 2p25.1.
Variant type: Deletion.
Coding change: c.597-9_597-8del on transcript NM_001349206.2 (MANE Select); 9 bases into the intron before coding-DNA position 597 through 8 bases into the intron before coding-DNA position 597, 2 bases deleted (TT; older notation c.597-9_597-8delTT).
Molecular consequence: intron variant.
Genome position (GRCh38, 1-based): chr2:11,773,611-11,773,612, TT deleted; deleting any 2 consecutive bases within chr2:11,773,602-11,773,612 gives the same sequence; the c. name uses the placement nearest the transcript's 3' end. VCF-style (leftmost placement, unchanged base first): chr2-11773601-CTT-C. GRCh37 (hg19) VCF-style: chr2-11913727-CTT-C.
Other names: c.744-9_744-8del (NM_001261428.3, NM_001349208.2); c.687-9_687-8del (NM_001349207.2); c.615-9_615-8del (NM_001261427.3); c.597-9_597-8del (NM_001349204.2, NM_001349202.2, NM_001349200.2 and 5 more transcripts).
Identifiers: ClinVar variation 3049894 (VCV003049894.2), dbSNP rs754961080, ClinGen allele CA1533465.
Genomic context (GRCh38, chr2:11,773,601, plus strand): 5'-AATCAAGAAAAAATTGGAACTTGATTATGAATCTATCATTAAGAATTCTTTGACTTTAAT[CTT>C]TTTTTTTTTCCTCCAGAACTCTTCCTAATGATATACCTCCATTCCAAGATGATATTCCTG-3'